The following is an entry in ClinVar:

NM_001110556.2(FLNA):c.5851C>T (p.Arg1951Trp)

Gene: FLNA (filamin A; minus strand). Cytogenetic location: Xq28.
Variant type: single nucleotide variant.
Coding change: c.5851C>T on transcript NM_001110556.2 (MANE Select); coding-DNA position 5851, C replaced by T.
Protein change: p.Arg1951Trp; replaces arginine 1951 with tryptophan.
Molecular consequence: missense variant.
Genome position (GRCh38, 1-based): chrX:154,353,563, G>A on the plus strand (C>T on the coding strand, the complement: FLNA is on the minus strand). VCF-style: chrX-154353563-G-A. GRCh37 (hg19) VCF-style: chrX-153581931-G-A.
Other names: c.5827C>T, p.Arg1943Trp (NM_001456.4); short protein forms R1951W, R1943W.
Identifiers: ClinVar variation 2240432 (VCV002240432.3), dbSNP rs2067639085, ClinGen allele CA415198784.

ClinVar aggregate classification (germline): Uncertain significance. Review status: criteria provided, multiple submitters, no conflicts (2 of 4 stars). 2 submissions from 2 submitters: Uncertain significance (2). Last evaluated 2025-01-09.

Conditions:
Familial thoracic aortic aneurysm and aortic dissection (TAAD). Also called: Thoracic aortic aneurysms and dissections. Identifiers: Orphanet 91387, MedGen C4707243, MONDO:0019625.

Allele frequency attached by ClinVar (database versions not stated): gnomAD exomes below 0.00001; TOPMed 0.00001.
gnomAD v4.1: 5 of 1,211,134 alleles (0.00041%); highest among the groups gnomAD compares: African/African-American, 0.0035%; no homozygotes.

Submissions (2):

GeneDx
Classification: Uncertain significance. Last evaluated: 2025-01-09. Review status: criteria provided, single submitter. Criteria: GeneDx Variant Classification Process June 2021. Collection method: clinical testing. Allele origin: germline. Affected: yes.
Comment: Not observed at significant frequency in large population cohorts (gnomAD); In silico analysis supports that this missense variant has a deleterious effect on protein structure/function; Has not been previously published as pathogenic or benign to our knowledge

Ambry Genetics
Classification: Uncertain significance for Familial thoracic aortic aneurysm and aortic dissection. Last evaluated: 2021-09-07. Review status: criteria provided, single submitter. Criteria: Ambry Variant Classification Scheme 2023. Collection method: clinical testing. Allele origin: germline.